The following is an entry in ClinVar:

ClinVar aggregate classification (germline): Pathogenic/Likely pathogenic. Review status: criteria provided, multiple submitters, no conflicts (2 of 4 stars). 4 submissions from 4 submitters: Pathogenic (1); Likely pathogenic (1). 2 of the submissions do not count toward it. Last evaluated 2024-12-03.

Conditions:
Multiple epiphyseal dysplasia, Al-Gazali type. Also called: Macrocephaly with multiple epiphyseal dysplasia and distinctive facies. Identifiers: Orphanet 166024, MedGen C1846722, MONDO:0011778, OMIM 607131.
Acrocallosal syndrome (ACLS). Also called: Schinzel syndrome 1; Absence of corpus callosum with unusual facial appearance, mental deficiency, duplication of the halluces and polydactyly; HALLUX DUPLICATION, POSTAXIAL POLYDACTYLY, AND ABSENCE OF CORPUS CALLOSUM. Identifiers: Orphanet 36, MedGen C0796147, MONDO:0008708, OMIM 200990.
Hydrolethalus syndrome 2 (HLS2). Identifiers: Orphanet 2189, MedGen C3279899, MONDO:0013585, OMIM 614120.

Allele frequency attached by ClinVar (database versions not stated): gnomAD exomes 0.00001; TOPMed 0.00001.
gnomAD v4.1: 3 of 1,614,118 alleles (0.00019%); highest among the groups gnomAD compares: Non-Finnish European, 0.00025%; no homozygotes.

Submissions (4):

Labcorp Genetics (formerly Invitae), Labcorp
Classification: Pathogenic for Acrocallosal syndrome. Last evaluated: 2024-12-03. Review status: criteria provided, single submitter. Criteria: Invitae Variant Classification Sherloc (09022015). Collection method: clinical testing. Allele origin: germline.
Comment: This sequence change creates a premature translational stop signal (p.Gln1079*) in the KIF7 gene. It is expected to result in an absent or disrupted protein product. Loss-of-function variants in KIF7 are known to be pathogenic (PMID: 19666503, 21552264, 21633164, 26648833). This variant is not present in population databases (gnomAD no frequency). This variant has not been reported in the literature in individuals affected with KIF7-related conditions. ClinVar contains an entry for this variant (Variation ID: 1297573). For these reasons, this variant has been classified as Pathogenic.

Fulgent Genetics
Classification: Likely pathogenic for Acrocallosal syndrome; Multiple epiphyseal dysplasia, Al-Gazali type; Hydrolethalus syndrome 2. Last evaluated: 2024-01-10. Review status: criteria provided, single submitter. Criteria: ACMG Guidelines, 2015. Collection method: clinical testing. Allele origin: germline.

Clinical Genetics DNA and cytogenetics Diagnostics Lab, Erasmus MC, Erasmus Medical Center
Classification: Pathogenic. Review status: no assertion criteria provided. Collection method: clinical testing. Allele origin: germline. Affected: yes. Study: VKGL Data-share Consensus. Not counted in ClinVar's aggregate classification.

Joint Genome Diagnostic Labs from Nijmegen and Maastricht, Radboudumc and MUMC+
Classification: Pathogenic. Review status: no assertion criteria provided. Collection method: clinical testing. Allele origin: germline. Affected: yes. Study: VKGL Data-share Consensus. Not counted in ClinVar's aggregate classification.

Literature cited by the submitters: PubMed 19666503 (cited by Labcorp Genetics (formerly Invitae), Labcorp); PubMed 21552264 (cited by Labcorp Genetics (formerly Invitae), Labcorp); PubMed 21633164 (cited by Labcorp Genetics (formerly Invitae), Labcorp); PubMed 26648833 (cited by Labcorp Genetics (formerly Invitae), Labcorp).

NM_198525.3(KIF7):c.3235C>T (p.Gln1079Ter)

Gene: KIF7 (kinesin family member 7; minus strand). Cytogenetic location: 15q26.1.
Variant type: single nucleotide variant.
Coding change: c.3235C>T on transcript NM_198525.3 (MANE Select); coding-DNA position 3235, C replaced by T.
Protein change: p.Gln1079Ter; replaces glutamine 1079 with a stop codon.
Molecular consequence: nonsense.
Genome position (GRCh38, 1-based): chr15:89,630,370, G>A on the plus strand (C>T on the coding strand, the complement: KIF7 is on the minus strand). VCF-style: chr15-89630370-G-A. GRCh37 (hg19) VCF-style: chr15-90173601-G-A.
Other names: short protein forms Q1079*.
Identifiers: ClinVar variation 1297573 (VCV001297573.6), dbSNP rs1963646325, ClinGen allele CA393755975.